The following is an entry in ClinVar:

ClinVar aggregate classification (germline): Likely pathogenic (1 of 4 stars; one submission).

Conditions:
Autosomal recessive ataxia, Beauce type. Also called: Spinocerebellar ataxia, autosomal recessive 8; ATAXIA, RECESSIVE, OF BEAUCE; SYNE1 Deficiency; SYNE1-Related Autosomal Recessive Cerebellar Ataxia. Identifiers: Orphanet 88644, MedGen C1853116, MONDO:0012549, OMIM 610743.
Emery-Dreifuss muscular dystrophy 4, autosomal dominant (EDMD4). Also called: EMERY-DREIFUSS MUSCULAR DYSTROPHY 4 WITH VARIABLE FEATURES. Identifiers: Orphanet 261, MedGen C2751807, MONDO:0013071, OMIM 612998.

Submission:

Labcorp Genetics (formerly Invitae), Labcorp
Classification: Likely pathogenic for Emery-Dreifuss muscular dystrophy 4, autosomal dominant; Autosomal recessive ataxia, Beauce type. Last evaluated: 2022-06-04. Review status: criteria provided, single submitter. Criteria: Invitae Variant Classification Sherloc (09022015). Collection method: clinical testing. Allele origin: unknown.
Comment: In summary, the currently available evidence indicates that the variant is pathogenic, but additional data are needed to prove that conclusively. Therefore, this variant has been classified as Likely Pathogenic. This variant has not been reported in the literature in individuals affected with SYNE1-related conditions. This variant results in the deletion of exon 6-103 and part of exon 104 (c.309+4427_19260del) of the SYNE1 gene. It is expected to disrupt RNA splicing. Variants that disrupt the donor or acceptor splice site typically lead to a loss of protein function (PMID: 16199547), and loss-of-function variants in SYNE1 are known to be pathogenic (PMID: 19542096, 24319099, 27086870).

Literature cited by the submitters: PubMed 16199547; PubMed 19542096; PubMed 24319099; PubMed 27086870.

NC_000006.11:g.(?_152570395)_(152837167_?)del

Genes: SYNE1 (spectrin repeat containing nuclear envelope protein 1; minus strand), SYNE1-AS1 (SYNE1 antisense RNA 1; plus strand). Cytogenetic location: 6q25.2.
Variant type: Deletion.
Identifiers: ClinVar variation 3246024 (VCV003246024.1).